The following is an entry in ClinVar:

NM_138477.4(CDAN1):c.2313T>G (p.Tyr771Ter)

Gene: CDAN1 (codanin 1; minus strand). Cytogenetic location: 15q15.2.
Variant type: single nucleotide variant.
Coding change: c.2313T>G on transcript NM_138477.4 (MANE Select); coding-DNA position 2313, T replaced by G.
Protein change: p.Tyr771Ter; replaces tyrosine 771 with a stop codon.
Molecular consequence: nonsense.
Genome position (GRCh38, 1-based): chr15:42,729,835, A>C on the plus strand (T>G on the coding strand, the complement: CDAN1 is on the minus strand). VCF-style: chr15-42729835-A-C. GRCh37 (hg19) VCF-style: chr15-43022033-A-C.
Other names: short protein forms Y771*.
Identifiers: ClinVar variation 3659162 (VCV003659162.2).

ClinVar aggregate classification (germline): Pathogenic (1 of 4 stars; one submission).

Submission:

Labcorp Genetics (formerly Invitae), Labcorp
Classification: Pathogenic. Last evaluated: 2024-07-10. Review status: criteria provided, single submitter. Criteria: Invitae Variant Classification Sherloc (09022015). Collection method: clinical testing. Allele origin: germline.
Comment: This sequence change creates a premature translational stop signal (p.Tyr771*) in the CDAN1 gene. It is expected to result in an absent or disrupted protein product. Loss-of-function variants in CDAN1 are known to be pathogenic (PMID: 16098079, 16141353). This variant is not present in population databases (gnomAD no frequency). This variant has not been reported in the literature in individuals affected with CDAN1-related conditions. Algorithms developed to predict the effect of sequence changes on RNA splicing suggest that this variant may disrupt the consensus splice site. For these reasons, this variant has been classified as Pathogenic.

Literature cited by the submitters: PubMed 16098079; PubMed 16141353.